The following is an entry in ClinVar:

NM_032861.4(SERAC1):c.92-1G>A

Gene: SERAC1 (serine active site containing 1; minus strand). Cytogenetic location: 6q25.3.
Variant type: single nucleotide variant.
Coding change: c.92-1G>A on transcript NM_032861.4 (MANE Select); the canonical splice acceptor site of the intron before coding-DNA position 92, G replaced by A.
Molecular consequence: splice acceptor variant.
Genome position (GRCh38, 1-based): chr6:158,155,352, C>T on the plus strand (G>A on the coding strand, the complement: SERAC1 is on the minus strand). VCF-style: chr6-158155352-C-T. GRCh37 (hg19) VCF-style: chr6-158576384-C-T.
Identifiers: ClinVar variation 4720575 (VCV004720575.1).

ClinVar aggregate classification (germline): Likely pathogenic (1 of 4 stars; one submission).

Conditions:
3-methylglutaconic aciduria with deafness, encephalopathy, and Leigh-like syndrome (MEGDEL). Also called: 3-METHYLGLUTACONIC ACIDURIA, TYPE VI; MEGDEL syndrome; SERAC1 Deficiency. Identifiers: Orphanet 352328, MedGen C4040739, MONDO:0013875, OMIM 614739.

Submission:

Labcorp Genetics (formerly Invitae), Labcorp
Classification: Likely pathogenic for 3-methylglutaconic aciduria with deafness, encephalopathy, and Leigh-like syndrome. Last evaluated: 2025-06-08. Review status: criteria provided, single submitter. Criteria: Invitae Variant Classification Sherloc (09022015). Collection method: clinical testing. Allele origin: germline.
Comment: This sequence change affects an acceptor splice site in intron 2 of the SERAC1 gene. It is expected to disrupt RNA splicing. Variants that disrupt the donor or acceptor splice site typically lead to a loss of protein function (PMID: 16199547), and loss-of-function variants in SERAC1 are known to be pathogenic (PMID: 22683713). This variant is not present in population databases (gnomAD no frequency). This variant has not been reported in the literature in individuals affected with SERAC1-related conditions. Algorithms developed to predict the effect of sequence changes on RNA splicing suggest that this variant may disrupt the consensus splice site. In summary, the currently available evidence indicates that the variant is pathogenic, but additional data are needed to prove that conclusively. Therefore, this variant has been classified as Likely Pathogenic.

Literature cited by the submitters: PubMed 16199547; PubMed 22683713.